The following is an entry in ClinVar:

NM_006180.6(NTRK2):c.1315A>G (p.Ile439Val)

Gene: NTRK2 (neurotrophic receptor tyrosine kinase 2; plus strand). Cytogenetic location: 9q21.33.
Variant type: single nucleotide variant.
Coding change: c.1315A>G on transcript NM_006180.6 (MANE Select); coding-DNA position 1315, A replaced by G.
Protein change: p.Ile439Val; replaces isoleucine 439 with valine.
Molecular consequence: missense variant.
Genome position (GRCh38, 1-based): chr9:84,752,004, A>G. VCF-style: chr9-84752004-A-G. GRCh37 (hg19) VCF-style: chr9-87366919-A-G.
Other names: c.1315A>G, p.Ile439Val (NM_001007097.3, NM_001018064.3, NM_001018065.2 and 15 more transcripts); c.1276A>G, p.Ile426Val (NM_001291937.2, NM_001369546.1); c.1279A>G, p.Ile427Val (NM_001369534.1); c.847A>G, p.Ile283Val (NM_001369535.1, NM_001369536.1, NM_001369550.1 and 2 more transcripts); short protein forms I427V, I283V, I426V, I439V.
Identifiers: ClinVar variation 5001253 (VCV005001253.1).

ClinVar aggregate classification (germline): Uncertain significance (1 of 4 stars; one submission).

Conditions:
NTRK2-related disorder. Also called: NTRK2-related condition.

Submission:

PreventionGenetics, part of Exact Sciences
Classification: Uncertain significance for NTRK2-related condition. Last evaluated: 2024-11-27. Review status: criteria provided, single submitter. Criteria: ACMG Guidelines, 2015. Collection method: clinical testing. Allele origin: germline.
Comment: The NTRK2 c.1315A>G variant is predicted to result in the amino acid substitution p.Ile439Val. To our knowledge, this variant has not been reported in the literature or in a large population database (gnomAD), indicating this variant is rare. At this time, the clinical significance of this variant is uncertain due to the absence of conclusive functional and genetic evidence.